The following is an entry in ClinVar:

ClinVar aggregate classification (germline): Conflicting classifications of pathogenicity. Review status: criteria provided, conflicting classifications (1 of 4 stars). 8 submissions from 8 submitters: Uncertain significance (5); Likely benign (1). 2 of the submissions do not count toward it. Last evaluated 2024-09-25.

Conditions:
Inborn genetic diseases. Identifiers: MedGen C0950123, MeSH D030342.
Retinitis pigmentosa (RP). Identifiers: Orphanet 791, MedGen C0035334, MeSH D012174, MONDO:0019200, OMIM 268000. Inheritance: Autosomal dominant, autosomal recessive and X linked inheritance.

Allele frequency attached by ClinVar (database versions not stated): gnomAD exomes 0.00006 and 0.00008; TOPMed 0.00006; ExAC 0.00007; ESP Exome Variant Server 0.00008; gnomAD 0.00003 and 0.00004.
gnomAD v4.1: 136 of 1,614,136 alleles (0.0084%); highest among the groups gnomAD compares: Middle Eastern, 0.97%; 1 homozygote.

Submissions (8):

Blueprint Genetics
Classification: Likely benign. Last evaluated: 2024-09-25. Review status: criteria provided, single submitter. Criteria: ACMG Guidelines, 2015. Collection method: clinical testing. Allele origin: germline.

Labcorp Genetics (formerly Invitae), Labcorp
Classification: Uncertain significance. Last evaluated: 2022-08-31. Review status: criteria provided, single submitter. Criteria: Invitae Variant Classification Sherloc (09022015). Collection method: clinical testing. Allele origin: germline.
Comment: This sequence change replaces arginine, which is basic and polar, with glutamine, which is neutral and polar, at codon 844 of the IMPG2 protein (p.Arg844Gln). This variant is present in population databases (rs139105788, gnomAD 0.02%). This variant has not been reported in the literature in individuals affected with IMPG2-related conditions. ClinVar contains an entry for this variant (Variation ID: 342344). Algorithms developed to predict the effect of missense changes on protein structure and function output the following: SIFT: "Tolerated"; PolyPhen-2: "Benign"; Align-GVGD: "Class C0". The glutamine amino acid residue is found in multiple mammalian species, which suggests that this missense change does not adversely affect protein function. In summary, the available evidence is currently insufficient to determine the role of this variant in disease. Therefore, it has been classified as a Variant of Uncertain Significance.

Ambry Genetics
Classification: Uncertain significance for Inborn genetic diseases. Last evaluated: 2021-08-12. Review status: criteria provided, single submitter. Criteria: Ambry Variant Classification Scheme 2023. Collection method: clinical testing. Allele origin: germline.

Illumina Laboratory Services, Illumina
Classification: Uncertain significance for Retinitis pigmentosa. Last evaluated: 2018-01-13. Review status: criteria provided, single submitter. Criteria: ICSL Variant Classification Criteria 13 December 2019. Collection method: clinical testing. Allele origin: germline.

Eurofins Ntd Llc (ga)
Classification: Uncertain significance. Last evaluated: 2016-10-06. Review status: criteria provided, single submitter. Criteria: EGL Classification Definitions 2015. Collection method: clinical testing. Allele origin: germline. Observed: 1 variant allele, 1 homozygote.

Breakthrough Genomics
Classification: Uncertain significance. Review status: criteria provided, single submitter. Criteria: ACMG Guidelines, 2015. Collection method: not provided. Allele origin: germline. Inheritance: Autosomal recessive inheritance. Affected: yes.

Clinical Genetics DNA and cytogenetics Diagnostics Lab, Erasmus MC, Erasmus Medical Center
Classification: Likely benign. Review status: no assertion criteria provided. Collection method: clinical testing. Allele origin: germline. Affected: yes. Study: VKGL Data-share Consensus. Not counted in ClinVar's aggregate classification.

Clinical Genetics, Academic Medical Center
Classification: Benign. Review status: no assertion criteria provided. Collection method: clinical testing. Allele origin: germline. Affected: yes. Study: VKGL Data-share Consensus. Not counted in ClinVar's aggregate classification.

NM_016247.4(IMPG2):c.2531G>A (p.Arg844Gln)

Gene: IMPG2 (interphotoreceptor matrix proteoglycan 2; minus strand). Cytogenetic location: 3q12.3.
Variant type: single nucleotide variant.
Coding change: c.2531G>A on transcript NM_016247.4 (MANE Select); coding-DNA position 2531, G replaced by A.
Protein change: p.Arg844Gln; replaces arginine 844 with glutamine.
Molecular consequence: missense variant.
Genome position (GRCh38, 1-based): chr3:101,243,800, C>T on the plus strand (G>A on the coding strand, the complement: IMPG2 is on the minus strand). VCF-style: chr3-101243800-C-T. GRCh37 (hg19) VCF-style: chr3-100962644-C-T.
Other names: short protein forms R844Q.
Identifiers: ClinVar variation 342344 (VCV000342344.19), dbSNP rs139105788, ClinGen allele CA2518954.